The following is an entry in ClinVar:

ClinVar aggregate classification (germline): Benign (1 of 4 stars; one submission).

Allele frequency attached by ClinVar (database versions not stated): 1000 Genomes Project 0.18051; 1000 Genomes Project 30x 0.18582; gnomAD exomes 0.19840; TOPMed 0.23064; gnomAD 0.23343.
gnomAD v4.1: 164,812 of 802,796 alleles (21%); highest among the groups gnomAD compares: African/African-American, 30%; 18,445 homozygotes.

Submission:

GeneDx
Classification: Benign. Last evaluated: 2018-06-14. Review status: criteria provided, single submitter. Criteria: GeneDx Variant Classification (06012015). Collection method: clinical testing. Allele origin: germline. Affected: yes.
Comment: This variant is considered likely benign or benign based on one or more of the following criteria: it is a conservative change, it occurs at a poorly conserved position in the protein, it is predicted to be benign by multiple in silico algorithms, and/or has population frequency not consistent with disease.

NM_002880.4(RAF1):c.1193+124T>C

Gene: RAF1 (Raf-1 proto-oncogene, serine/threonine kinase; minus strand). Cytogenetic location: 3p25.2.
Variant type: single nucleotide variant.
Coding change: c.1193+124T>C on transcript NM_002880.4 (MANE Select); 124 bases into the intron after coding-DNA position 1193, T replaced by C.
Molecular consequence: intron variant.
Genome position (GRCh38, 1-based): chr3:12,591,584, A>G on the plus strand (T>C on the coding strand, the complement: RAF1 is on the minus strand). VCF-style: chr3-12591584-A-G. GRCh37 (hg19) VCF-style: chr3-12633083-A-G.
Other names: c.851+124T>C (NM_001354695.3); c.950+124T>C (NM_001354692.3, NM_001354691.3); c.1010+124T>C (NM_001354694.3); c.1094+124T>C (NM_001354693.3); c.1253+124T>C (NM_001354689.3); c.1193+124T>C (NM_001354690.3).
Identifiers: ClinVar variation 561369 (VCV000561369.1), dbSNP rs2290160, ClinGen allele CA11467347.